The following is an entry in ClinVar:

ClinVar aggregate classification (germline): Likely benign. Review status: criteria provided, multiple submitters, no conflicts (2 of 4 stars). 3 submissions from 3 submitters: Likely benign (3). Last evaluated 2025-11-16.

Conditions:
Cardiovascular phenotype. Identifiers: MedGen CN230736.
Dilated cardiomyopathy 1O (CMD1O). Also called: CARDIOMYOPATHY, DILATED, WITH VENTRICULAR TACHYCARDIA. Identifiers: Orphanet 154, MedGen C1837839, MONDO:0012062, OMIM 608569.

Allele frequency attached by ClinVar (database versions not stated): gnomAD 0.00001; ExAC 0.00002; gnomAD exomes 0.00002 and 0.00001; TOPMed 0.00003.
gnomAD v4.1: 13 of 1,613,866 alleles (0.00081%); highest among the groups gnomAD compares: Middle Eastern, 0.016%; no homozygotes.

Submissions (3):

Labcorp Genetics (formerly Invitae), Labcorp
Classification: Likely benign for Dilated cardiomyopathy 1O. Last evaluated: 2025-11-16. Review status: criteria provided, single submitter. Criteria: Invitae Variant Classification Sherloc (09022015). Collection method: clinical testing. Allele origin: germline.

Ambry Genetics
Classification: Likely benign for Cardiovascular phenotype. Last evaluated: 2025-10-05. Review status: criteria provided, single submitter. Criteria: Ambry Variant Classification Scheme 2023. Collection method: clinical testing. Allele origin: germline.

Laboratory for Molecular Medicine, Mass General Brigham Personalized Medicine
Classification: Likely benign. Last evaluated: 2013-10-25. Review status: criteria provided, single submitter. Criteria: LMM Criteria. Collection method: clinical testing. Allele origin: germline. Observed: 1 variant allele.
Comment: Gln1455Gln in exon 36 of ABCC9: This variant is not expected to have clinical si gnificance because it does not alter an amino acid residue and is not located wi thin the splice consensus sequence. Gln1455Gln in exon 36 of ABCC9 (allele fre quency = N/A) **

NM_020297.4(ABCC9):c.4365G>A (p.Gln1455=)

Genes: ABCC9 (ATP binding cassette subfamily C member 9; minus strand), KCNJ8-AS1 (KCNJ8 antisense RNA 1; plus strand). Cytogenetic location: 12p12.1.
Variant type: single nucleotide variant.
Coding change: c.4365G>A on transcript NM_020297.4 (MANE Select); coding-DNA position 4365, G replaced by A.
Protein change: p.Gln1455=; no amino-acid change (glutamine 1455 retained).
Molecular consequence: synonymous variant.
Genome position (GRCh38, 1-based): chr12:21,807,430, C>T on the plus strand (G>A on the coding strand, the complement: ABCC9 is on the minus strand). VCF-style: chr12-21807430-C-T. GRCh37 (hg19) VCF-style: chr12-21960364-C-T.
Other names: c.4365G>A, p.Gln1455= (NM_001377273.1, NM_005691.4); c.3498G>A, p.Gln1166= (NM_001377274.1).
Identifiers: ClinVar variation 179314 (VCV000179314.13), dbSNP rs727504785, ClinGen allele CA184180.